The following is an entry in ClinVar:

ClinVar aggregate classification (germline): Likely benign (0 of 4 stars; one submission).

Conditions:
PLXNA3-related disorder. Also called: PLXNA3-related condition.

Allele frequency attached by ClinVar (database versions not stated): TOPMed 0.00002; gnomAD 0.00003.
gnomAD v4.1: 27 of 1,153,505 alleles (0.0023%); highest among the groups gnomAD compares: Middle Eastern, 0.051%; no homozygotes.

Submission:

PreventionGenetics, part of Exact Sciences
Classification: Likely benign for PLXNA3-related condition. Last evaluated: 2021-10-06. Review status: no assertion criteria provided. Collection method: clinical testing. Allele origin: germline.
Comment: This variant is classified as likely benign based on ACMG/AMP sequence variant interpretation guidelines (Richards et al. 2015 PMID: 25741868, with internal and published modifications).

NM_017514.5(PLXNA3):c.1302C>T (p.Ser434=)

Gene: PLXNA3 (plexin A3; plus strand). Cytogenetic location: Xq28.
Variant type: single nucleotide variant.
Coding change: c.1302C>T on transcript NM_017514.5 (MANE Select); coding-DNA position 1302, C replaced by T.
Protein change: p.Ser434=; no amino-acid change (serine 434 retained).
Molecular consequence: synonymous variant.
Genome position (GRCh38, 1-based): chrX:154,462,295, C>T. VCF-style: chrX-154462295-C-T. GRCh37 (hg19) VCF-style: chrX-153690635-C-T.
Identifiers: ClinVar variation 3054772 (VCV003054772.2), dbSNP rs782817783, ClinGen allele CA10563983.